The following is an entry in ClinVar:

NM_001148.6(ANK2):c.9689C>T (p.Thr3230Met)

Gene: ANK2 (ankyrin 2; plus strand). Cytogenetic location: 4q26.
Variant type: single nucleotide variant.
Coding change: c.9689C>T on transcript NM_001148.6 (MANE Select); coding-DNA position 9689, C replaced by T.
Protein change: p.Thr3230Met; replaces threonine 3230 with methionine.
Molecular consequence: missense variant. On other transcripts: intron variant (68).
Genome position (GRCh38, 1-based): chr4:113,358,307, C>T. VCF-style: chr4-113358307-C-T. GRCh37 (hg19) VCF-style: chr4-114279463-C-T.
Other names: c.4127-2516C>T (NM_001354273.2); c.4427-2516C>T (NM_020977.5); c.9455C>T, p.Thr3152Met (NM_001386142.1); c.4484-2516C>T (NM_001386152.1); c.6089C>T, p.Thr2030Met (NM_001386166.1); c.4505-2516C>T (NM_001354237.2); c.4406-2516C>T (NM_001354230.2); c.9830C>T, p.Thr3277Met (NM_001386174.1); and 35 more; short protein forms T3230M, T2030M, T3152M, T3269M, T3277M.
Identifiers: ClinVar variation 959872 (VCV000959872.8), dbSNP rs752093696, ClinGen allele CA3051968.

ClinVar aggregate classification (germline): Conflicting classifications of pathogenicity. Review status: criteria provided, conflicting classifications (1 of 4 stars). 2 submissions from 2 submitters: Uncertain significance (1); Likely benign (1). Last evaluated 2025-05-22.

Conditions:
Long QT syndrome (LQTS). Identifiers: MedGen C0023976, MeSH D008133, MONDO:0002442. Disease mechanism: loss of function. Inheritance: Various modes of inheritance.
Cardiovascular phenotype. Identifiers: MedGen CN230736.

Allele frequency attached by ClinVar (database versions not stated): ExAC 0.00001; gnomAD 0.00001 and 0.00003; gnomAD exomes 0.00003 and 0.00004; TOPMed 0.00006.
gnomAD v4.1: 52 of 1,613,454 alleles (0.0032%); highest among the groups gnomAD compares: East Asian, 0.074%; no homozygotes.

Submissions (2):

Labcorp Genetics (formerly Invitae), Labcorp
Classification: Uncertain significance for Long QT syndrome. Last evaluated: 2025-05-22. Review status: criteria provided, single submitter. Criteria: Invitae Variant Classification Sherloc (09022015). Collection method: clinical testing. Allele origin: germline.
Comment: This sequence change replaces threonine, which is neutral and polar, with methionine, which is neutral and non-polar, at codon 3230 of the ANK2 protein (p.Thr3230Met). This variant is present in population databases (rs752093696, gnomAD 0.03%). This variant has not been reported in the literature in individuals affected with ANK2-related conditions. ClinVar contains an entry for this variant (Variation ID: 959872). An algorithm developed to predict the effect of missense changes on protein structure and function outputs the following: PolyPhen-2: "Benign". The methionine amino acid residue is found in multiple mammalian species, which suggests that this missense change does not adversely affect protein function. In summary, the available evidence is currently insufficient to determine the role of this variant in disease. Therefore, it has been classified as a Variant of Uncertain Significance.

Ambry Genetics
Classification: Likely benign for Cardiovascular phenotype. Last evaluated: 2019-08-20. Review status: criteria provided, single submitter. Criteria: Ambry Variant Classification Scheme 2023. Collection method: clinical testing. Allele origin: germline.

Literature cited by the submitters: PubMed 30564305 (cited by Ambry Genetics).